The following is an entry in ClinVar:

NM_001130823.3(DNMT1):c.2021T>C (p.Val674Ala)

Gene: DNMT1 (DNA methyltransferase 1; minus strand). Cytogenetic location: 19p13.2.
Variant type: single nucleotide variant.
Coding change: c.2021T>C on transcript NM_001130823.3 (MANE Select); coding-DNA position 2021, T replaced by C.
Protein change: p.Val674Ala; replaces valine 674 with alanine.
Molecular consequence: missense variant.
Genome position (GRCh38, 1-based): chr19:10,151,846, A>G on the plus strand (T>C on the coding strand, the complement: DNMT1 is on the minus strand). VCF-style: chr19-10151846-A-G. GRCh37 (hg19) VCF-style: chr19-10262522-A-G.
Other names: c.1973T>C, p.Val658Ala (NM_001318730.2, NM_001379.4); c.1658T>C, p.Val553Ala (NM_001318731.2); short protein forms V553A, V674A, V658A.
Identifiers: ClinVar variation 4717001 (VCV004717001.1).

ClinVar aggregate classification (germline): Uncertain significance (1 of 4 stars; one submission).

Conditions:
Hereditary sensory neuropathy-deafness-dementia syndrome. Also called: Hereditary Sensory and Autonomic Neuropathy Type 1E (HSAN1E); NEUROPATHY, HEREDITARY SENSORY, WITH HEARING LOSS AND DEMENTIA; HSN IE; Hereditary sensory neuropathy type IE. Identifiers: Orphanet 456318, MedGen C3279885, MONDO:0013584, OMIM 614116.

Submission:

Labcorp Genetics (formerly Invitae), Labcorp
Classification: Uncertain significance for Hereditary sensory neuropathy-deafness-dementia syndrome. Last evaluated: 2025-04-09. Review status: criteria provided, single submitter. Criteria: Invitae Variant Classification Sherloc (09022015). Collection method: clinical testing. Allele origin: germline.
Comment: This sequence change replaces valine, which is neutral and non-polar, with alanine, which is neutral and non-polar, at codon 674 of the DNMT1 protein (p.Val674Ala). This variant is not present in population databases (gnomAD no frequency). This variant has not been reported in the literature in individuals affected with DNMT1-related conditions. An algorithm developed to predict the effect of missense changes on protein structure and function (PolyPhen-2) suggests that this variant is likely to be tolerated. In summary, the available evidence is currently insufficient to determine the role of this variant in disease. Therefore, it has been classified as a Variant of Uncertain Significance.